The following is an entry in ClinVar:

NM_017841.4(SDHAF2):c.200G>A (p.Arg67Lys)

Gene: SDHAF2 (succinate dehydrogenase complex assembly factor 2; plus strand). Cytogenetic location: 11q12.2.
Variant type: single nucleotide variant.
Coding change: c.200G>A on transcript NM_017841.4 (MANE Select); coding-DNA position 200, G replaced by A.
Protein change: p.Arg67Lys; replaces arginine 67 with lysine.
Molecular consequence: missense variant.
Genome position (GRCh38, 1-based): chr11:61,437,788, G>A. VCF-style: chr11-61437788-G-A. GRCh37 (hg19) VCF-style: chr11-61205260-G-A.
Other names: short protein forms R67K.
Identifiers: ClinVar variation 3438732 (VCV003438732.3).

ClinVar aggregate classification (germline): Uncertain significance. Review status: criteria provided, multiple submitters, no conflicts (2 of 4 stars). 2 submissions from 2 submitters: Uncertain significance (2). Last evaluated 2024-10-24.

Conditions:
Hereditary pheochromocytoma and paraganglioma. Also called: Hereditary Paraganglioma-Pheochromocytoma Syndromes; Hereditary pheochromocytoma-paraganglioma; Hereditary paragangliomas and pheochromocytomas. Identifiers: Orphanet 29072, MedGen C4274332, MONDO:0017366.
Hereditary cancer-predisposing syndrome. Also called: Neoplastic Syndromes, Hereditary; Tumor predisposition; Hereditary Cancer Syndrome; Hereditary neoplastic syndrome. Identifiers: Orphanet 140162, MedGen C0027672, MeSH D009386, MONDO:0015356.

gnomAD v4.1: 4 of 1,613,976 alleles (0.00025%); highest among the groups gnomAD compares: South Asian, 0.0033%; no homozygotes.

Submissions (2):

Labcorp Genetics (formerly Invitae), Labcorp
Classification: Uncertain significance for Hereditary pheochromocytoma and paraganglioma. Last evaluated: 2024-10-24. Review status: criteria provided, single submitter. Criteria: Invitae Variant Classification Sherloc (09022015). Collection method: clinical testing. Allele origin: germline.
Comment: This sequence change replaces arginine, which is basic and polar, with lysine, which is basic and polar, at codon 67 of the SDHAF2 protein (p.Arg67Lys). This variant is present in population databases (no rsID available, gnomAD 0.0009%). This variant has not been reported in the literature in individuals affected with SDHAF2-related conditions. An algorithm developed to predict the effect of missense changes on protein structure and function (PolyPhen-2) suggests that this variant is likely to be tolerated. In summary, the available evidence is currently insufficient to determine the role of this variant in disease. Therefore, it has been classified as a Variant of Uncertain Significance.

Ambry Genetics
Classification: Uncertain significance for Hereditary cancer-predisposing syndrome. Last evaluated: 2024-08-24. Review status: criteria provided, single submitter. Criteria: Ambry Variant Classification Scheme 2023. Collection method: clinical testing. Allele origin: germline.
Comment: The p.R67K variant (also known as c.200G>A), located in coding exon 2 of the SDHAF2 gene, results from a G to A substitution at nucleotide position 200. The arginine at codon 67 is replaced by lysine, an amino acid with highly similar properties. This amino acid position is conserved. In addition, this alteration is predicted to be tolerated by in silico analysis. Based on the available evidence, the clinical significance of this variant remains unclear.